The following is an entry in ClinVar:

ClinVar aggregate classification (germline): Uncertain significance (1 of 4 stars; one submission).

Submission:

GeneDx
Classification: Uncertain significance. Last evaluated: 2024-06-06. Review status: criteria provided, single submitter. Criteria: GeneDx Variant Classification Process June 2021. Collection method: clinical testing. Allele origin: germline. Affected: yes.
Comment: Not observed at significant frequency in large population cohorts (gnomAD); In silico analysis supports that this missense variant has a deleterious effect on protein structure/function; Has not been previously published as pathogenic or benign to our knowledge

NM_002816.5(PSMD12):c.517A>C (p.Thr173Pro)

Gene: PSMD12 (proteasome 26S subunit, non-ATPase 12; minus strand). Cytogenetic location: 17q24.2.
Variant type: single nucleotide variant.
Coding change: c.517A>C on transcript NM_002816.5 (MANE Select); coding-DNA position 517, A replaced by C.
Protein change: p.Thr173Pro; replaces threonine 173 with proline.
Molecular consequence: missense variant.
Genome position (GRCh38, 1-based): chr17:67,347,479, T>G on the plus strand (A>C on the coding strand, the complement: PSMD12 is on the minus strand). VCF-style: chr17-67347479-T-G. GRCh37 (hg19) VCF-style: chr17-65343595-T-G.
Other names: c.340A>C, p.Thr114Pro (NM_001316341.2); c.457A>C, p.Thr153Pro (NM_174871.4); short protein forms T114P, T153P, T173P.
Identifiers: ClinVar variation 3384620 (VCV003384620.1).
Genomic context (GRCh38, chr17:67,347,479, plus strand): 5'-AGAGCCTCATTTGCTCCAAAATAAATTCCACTCGCTCTTTCTTTTCCATTGACCCGTAGG[T>G]TTCCACCTAGCACAGTAATTCCCCAAATAAGTTTATAATACTTTGCAATTTTGTGAATTG-3'
Protein context (NP_002807.1, residues 163-183): ASILQELQVE[Thr173Pro]YGSMEKKERV